The following is an entry in ClinVar:

ClinVar aggregate classification (germline): Benign/Likely benign. Review status: criteria provided, multiple submitters, no conflicts (2 of 4 stars). 4 submissions from 4 submitters: Benign (2); Likely benign (2). Last evaluated 2025-05-16.

Conditions:
Hereditary cancer-predisposing syndrome. Also called: Hereditary neoplastic syndrome; Tumor predisposition; Neoplastic Syndromes, Hereditary; Hereditary Cancer Syndrome. Identifiers: Orphanet 140162, MedGen C0027672, MeSH D009386, MONDO:0015356.
Tuberous sclerosis 2 (TSC2). Identifiers: Orphanet 805, MedGen C1860707, MONDO:0013199, OMIM 613254.

Allele frequency attached by ClinVar (database versions not stated): gnomAD exomes below 0.00001 and 0.00001.
gnomAD v4.1: 2 of 1,551,162 alleles (0.00013%); highest among the groups gnomAD compares: South Asian, 0.0012%; no homozygotes.

Submissions (4):

Myriad Genetics, Inc.
Classification: Benign for Tuberous sclerosis 2. Last evaluated: 2025-05-16. Review status: criteria provided, single submitter. Criteria: Myriad Autosomal Dominant, Autosomal Recessive and X-Linked Classification Criteria (2023). Collection method: clinical testing. Allele origin: unknown.
Comment: This variant is considered benign. This variant is a silent/synonymous amino acid change and it is not expected to impact splicing.

Labcorp Genetics (formerly Invitae), Labcorp
Classification: Benign for Tuberous sclerosis 2. Last evaluated: 2024-04-30. Review status: criteria provided, single submitter. Criteria: Invitae Variant Classification Sherloc (09022015). Collection method: clinical testing. Allele origin: germline.

Ambry Genetics
Classification: Likely benign for Hereditary cancer-predisposing syndrome. Last evaluated: 2023-03-02. Review status: criteria provided, single submitter. Criteria: Ambry Variant Classification Scheme 2023. Collection method: clinical testing. Allele origin: germline.

GeneDx
Classification: Likely benign. Last evaluated: 2015-07-09. Review status: criteria provided, single submitter. Criteria: GeneDx Variant Classification (06012015). Collection method: clinical testing. Allele origin: germline. Affected: yes.
Comment: This variant is considered likely benign or benign based on one or more of the following criteria: it is a conservative change, it occurs at a poorly conserved position in the protein, it is predicted to be benign by multiple in silico algorithms, and/or has population frequency not consistent with disease.

NM_000548.5(TSC2):c.2028C>T (p.Gly676=)

Gene: TSC2 (TSC complex subunit 2; plus strand). Cytogenetic location: 16p13.3.
Variant type: single nucleotide variant.
Coding change: c.2028C>T on transcript NM_000548.5 (MANE Select); coding-DNA position 2028, C replaced by T.
Protein change: p.Gly676=; no amino-acid change (glycine 676 retained).
Molecular consequence: synonymous variant.
Genome position (GRCh38, 1-based): chr16:2,071,865, C>T. VCF-style: chr16-2071865-C-T. GRCh37 (hg19) VCF-style: chr16-2121866-C-T.
Other names: c.2028C>T, p.Gly676= (NM_001077183.3, NM_001114382.3, NM_001363528.2 and 3 more transcripts); c.1917C>T, p.Gly639= (NM_001318827.2); c.1881C>T, p.Gly627= (NM_001318829.2); c.1428C>T, p.Gly476= (NM_001318831.2); c.2061C>T, p.Gly687= (NM_001318832.2).
Identifiers: ClinVar variation 380251 (VCV000380251.7), dbSNP rs1057520807, ClinGen allele CA16608044.